The following is an entry in ClinVar:

NM_024426.6(WT1):c.1017-2A>G

Gene: WT1 (WT1 transcription factor; minus strand). Cytogenetic location: 11p13.
Variant type: single nucleotide variant.
Coding change: c.1017-2A>G on transcript NM_024426.6 (MANE Select); the canonical splice acceptor site of the intron before coding-DNA position 1017, A replaced by G.
Molecular consequence: splice acceptor variant. On other transcripts: intron variant (1).
Genome position (GRCh38, 1-based): chr11:32,400,046, T>C on the plus strand (A>G on the coding strand, the complement: WT1 is on the minus strand). VCF-style: chr11-32400046-T-C. GRCh37 (hg19) VCF-style: chr11-32421592-T-C.
Other names: c.843-2A>G (NM_001407050.1); c.894-2A>G (NM_001407047.1); c.966-2A>G (NM_001407048.1, NM_001407049.1, NM_000378.6 and 1 more transcripts); c.1017-8A>G (NM_001407044.1); c.1017-2A>G (NM_001407046.1, NM_024424.5); c.255-2A>G (NM_001407051.1); c.315-2A>G (NM_001198552.2); c.366-2A>G (NM_001198551.2); and 1 more.
Identifiers: ClinVar variation 1966950 (VCV001966950.5), dbSNP rs1590345490, ClinGen allele CA379960573.

ClinVar aggregate classification (germline): Uncertain significance (1 of 4 stars; one submission).

Conditions:
Frasier syndrome. Identifiers: Orphanet 347, MedGen C0950122, MeSH D052159, MONDO:0007635, OMIM 136680.
Wilms tumor 1 (WT1). Also called: Wilms tumor, somatic. Identifiers: Orphanet 654, MedGen CN033288, MONDO:0008679, OMIM 194070.
11p partial monosomy syndrome (WAGR). Also called: CHROMOSOME 11p13 DELETION SYNDROME; WAGR Spectrum Disorder; WAGR syndrome; WAGR Complex. Identifiers: Orphanet 893, MedGen C0206115, MONDO:0008681, OMIM 194072.
Drash syndrome (DDS). Also called: WILMS TUMOR AND PSEUDO- OR TRUE HERMAPHRODITISM; NEPHROPATHY, WILMS TUMOR, AND GENITAL ANOMALIES. Identifiers: Orphanet 220, MedGen C0950121, MONDO:0008682, OMIM 194080.

Submission:

Labcorp Genetics (formerly Invitae), Labcorp
Classification: Uncertain significance for Wilms tumor 1; Drash syndrome; 11p partial monosomy syndrome; Frasier syndrome. Last evaluated: 2022-11-22. Review status: criteria provided, single submitter. Criteria: Invitae Variant Classification Sherloc (09022015). Collection method: clinical testing. Allele origin: germline.
Comment: In summary, the available evidence is currently insufficient to determine the role of this variant in disease. Therefore, it has been classified as a Variant of Uncertain Significance. Algorithms developed to predict the effect of sequence changes on RNA splicing suggest that this variant may disrupt the consensus splice site and strengthen a cryptic acceptor site in exon 6, located 6 nucleotides downstream of the natural splice site. This may result in an in-frame deletion of 2 amino acids, but otherwise preserves the integrity of the reading frame. This prediction has not been confirmed by published transcriptional studies, but suggests that the clinical significance of this splice variant may be uncertain. This variant has not been reported in the literature in individuals affected with WT1-related conditions. This variant is not present in population databases (gnomAD no frequency). This sequence change affects an acceptor splice site in intron 5 of the WT1 gene. It is expected to disrupt RNA splicing. Variants that disrupt the donor or acceptor splice site typically lead to a loss of protein function (PMID: 16199547), and loss-of-function variants in WT1 are known to be pathogenic (PMID: 15150775).

Literature cited by the submitters: PubMed 16199547; PubMed 15150775.